The following is an entry in ClinVar:

NM_007373.4(SHOC2):c.332C>G (p.Ser111Cys)

Gene: SHOC2 (SHOC2 leucine rich repeat scaffold protein; plus strand). Cytogenetic location: 10q25.2.
Variant type: single nucleotide variant.
Coding change: c.332C>G on transcript NM_007373.4 (MANE Select); coding-DNA position 332, C replaced by G.
Protein change: p.Ser111Cys; replaces serine 111 with cysteine.
Molecular consequence: missense variant.
Genome position (GRCh38, 1-based): chr10:110,964,690, C>G. VCF-style: chr10-110964690-C-G. GRCh37 (hg19) VCF-style: chr10-112724448-C-G.
Other names: c.332C>G, p.Ser111Cys (NM_001269039.3, NM_001324336.2, NM_001324337.2); short protein forms S111C.
Identifiers: ClinVar variation 1353168 (VCV001353168.8), dbSNP rs149084468, ClinGen allele CA213256968.

ClinVar aggregate classification (germline): Uncertain significance (1 of 4 stars; one submission).

Conditions:
RASopathy. Also called: rasopathies; Noonan spectrum disorder. Identifiers: Orphanet 536391, MedGen C5555857, MONDO:0021060.

Allele frequency attached by ClinVar (database versions not stated): 1000 Genomes Project 30x 0.00016; 1000 Genomes Project 0.00020.
gnomAD v4.1: 1 of 1,614,140 alleles (0.000062%); highest among the groups gnomAD compares: East Asian, 0.0022%; no homozygotes.

Submission:

Labcorp Genetics (formerly Invitae), Labcorp
Classification: Uncertain significance for RASopathy. Last evaluated: 2021-05-12. Review status: criteria provided, single submitter. Criteria: Invitae Variant Classification Sherloc (09022015). Collection method: clinical testing. Allele origin: germline.
Comment: In summary, the available evidence is currently insufficient to determine the role of this variant in disease. Therefore, it has been classified as a Variant of Uncertain Significance. Algorithms developed to predict the effect of missense changes on protein structure and function are either unavailable or do not agree on the potential impact of this missense change (SIFT: "Deleterious"; PolyPhen-2: "Probably Damaging"; Align-GVGD: "Class C0"). This variant has not been reported in the literature in individuals with SHOC2-related conditions. This variant is not present in population databases (ExAC no frequency). This sequence change replaces serine with cysteine at codon 111 of the SHOC2 protein (p.Ser111Cys). The serine residue is highly conserved and there is a moderate physicochemical difference between serine and cysteine.